The following is an entry in ClinVar:

NM_005732.4(RAD50):c.1394A>G (p.Gln465Arg)

Gene: RAD50 (RAD50 double strand break repair protein; plus strand). Cytogenetic location: 5q31.1.
Variant type: single nucleotide variant.
Coding change: c.1394A>G on transcript NM_005732.4 (MANE Select); coding-DNA position 1394, A replaced by G.
Protein change: p.Gln465Arg; replaces glutamine 465 with arginine.
Molecular consequence: missense variant.
Genome position (GRCh38, 1-based): chr5:132,589,779, A>G. VCF-style: chr5-132589779-A-G. GRCh37 (hg19) VCF-style: chr5-131925471-A-G.
Other names: short protein forms Q465R.
Identifiers: ClinVar variation 184945 (VCV000184945.7), dbSNP rs769473693, ClinGen allele CA190551.

ClinVar aggregate classification (germline): Uncertain significance. Review status: criteria provided, multiple submitters, no conflicts (2 of 4 stars). 3 submissions from 3 submitters: Uncertain significance (3). Last evaluated 2025-05-31.

Conditions:
Hereditary cancer-predisposing syndrome. Also called: Hereditary neoplastic syndrome; Neoplastic Syndromes, Hereditary; Tumor predisposition; Hereditary Cancer Syndrome. Identifiers: Orphanet 140162, MedGen C0027672, MeSH D009386, MONDO:0015356.

Allele frequency attached by ClinVar (database versions not stated): TOPMed below 0.00001; ExAC 0.00001; gnomAD exomes 0.00001.
gnomAD v4.1: 9 of 1,613,820 alleles (0.00056%); highest among the groups gnomAD compares: South Asian, 0.0099%; no homozygotes.

Submissions (3):

Quest Diagnostics Nichols Institute San Juan Capistrano
Classification: Uncertain significance. Last evaluated: 2025-05-31. Review status: criteria provided, single submitter. Criteria: Quest Diagnostics criteria. Collection method: clinical testing. Allele origin: unknown.
Comment: The RAD50 c.1394A>G (p.Gln465Arg) variant has not been reported in individuals with RAD50-related conditions in the published literature. The frequency of this variant in the general population (Genome Aggregation Database) is uninformative in the assessment of its pathogenicity. Analysis of this variant using bioinformatics tools for the prediction of the effect of amino acid changes on protein structure and function yielded predictions that this variant is benign. Based on the available information, we are unable to determine the clinical significance of this variant.

Labcorp Genetics (formerly Invitae), Labcorp
Classification: Uncertain significance for Hereditary cancer-predisposing syndrome. Last evaluated: 2025-02-17. Review status: criteria provided, single submitter. Criteria: Invitae Variant Classification Sherloc (09022015). Collection method: clinical testing. Allele origin: germline.
Comment: This sequence change replaces glutamine, which is neutral and polar, with arginine, which is basic and polar, at codon 465 of the RAD50 protein (p.Gln465Arg). This variant is present in population databases (rs769473693, gnomAD 0.007%). This variant has not been reported in the literature in individuals affected with RAD50-related conditions. ClinVar contains an entry for this variant (Variation ID: 184945). Invitae Evidence Modeling of protein sequence and biophysical properties (such as structural, functional, and spatial information, amino acid conservation, physicochemical variation, residue mobility, and thermodynamic stability) has been performed for this missense variant. However, the output from this modeling did not meet the statistical confidence thresholds required to predict the impact of this variant on RAD50 protein function. In summary, the available evidence is currently insufficient to determine the role of this variant in disease. Therefore, it has been classified as a Variant of Uncertain Significance.

Ambry Genetics
Classification: Uncertain significance for Hereditary cancer-predisposing syndrome. Last evaluated: 2024-02-25. Review status: criteria provided, single submitter. Criteria: Ambry Variant Classification Scheme 2023. Collection method: clinical testing. Allele origin: germline.
Comment: The p.Q465R variant (also known as c.1394A>G), located in coding exon 9 of the RAD50 gene, results from an A to G substitution at nucleotide position 1394. The glutamine at codon 465 is replaced by arginine, an amino acid with highly similar properties. This amino acid position is highly conserved in available vertebrate species. In addition, this alteration is predicted to be tolerated by in silico analysis. Since supporting evidence is limited at this time, the clinical significance of this alteration remains unclear.